The following is an entry in ClinVar:

NM_080680.3(COL11A2):c.2597dup (p.Gly866_Asp867insTer)

Gene: COL11A2 (collagen type XI alpha 2 chain; minus strand). Cytogenetic location: 6p21.32.
Variant type: Duplication.
Coding change: c.2597dup on transcript NM_080680.3 (MANE Select); coding-DNA position 2597, one base duplicated (G; older notation c.2597dupG).
Protein change: p.Gly866_Asp867insTer.
Molecular consequence: frameshift variant.
Genome position (GRCh38, 1-based): chr6:33,173,732, C duplicated on the plus strand (G on the coding strand, the reverse complement: COL11A2 is on the minus strand); the first of 2 consecutive C bases (chr6:33,173,732-33,173,733); duplicating either gives the same sequence. VCF-style (leftmost placement, unchanged base first): chr6-33173731-A-AC. GRCh37 (hg19) VCF-style: chr6-33141508-A-AC.
Other names: c.2417dup, p.Gly806_Asp807insTer (NM_001424108.1); c.1751dup, p.Gly584_Asp585insTer (NM_001424109.1); c.1571dup, p.Gly524_Asp525insTer (NM_001424110.1, NM_001424111.1); c.551dup, p.Gly184_Asp185insTer (NM_001424112.1); c.2276dup, p.Gly759_Asp760insTer (NM_080679.3); c.2339dup, p.Gly780_Asp781insTer (NM_080681.3).
Identifiers: ClinVar variation 2720452 (VCV002720452.3), dbSNP rs2534953372, ClinGen allele CA2697553259.

ClinVar aggregate classification (germline): Pathogenic (1 of 4 stars; one submission).

Submission:

Labcorp Genetics (formerly Invitae), Labcorp
Classification: Pathogenic. Last evaluated: 2023-06-23. Review status: criteria provided, single submitter. Criteria: Invitae Variant Classification Sherloc (09022015). Collection method: clinical testing. Allele origin: germline.
Comment: This sequence change creates a premature translational stop signal (p.Asp867*) in the COL11A2 gene. It is expected to result in an absent or disrupted protein product. Loss-of-function variants in COL11A2 are known to be pathogenic (PMID: 10677296, 21204229). This variant is not present in population databases (gnomAD no frequency). For these reasons, this variant has been classified as Pathogenic. This variant has not been reported in the literature in individuals affected with COL11A2-related conditions.

Literature cited by the submitters: PubMed 10677296; PubMed 21204229.